The following is an entry in ClinVar:

NM_000059.4(BRCA2):c.2695A>G (p.Asn899Asp)

Gene: BRCA2 (BRCA2 DNA repair associated; plus strand). Cytogenetic location: 13q13.1.
Variant type: single nucleotide variant.
Coding change: c.2695A>G on transcript NM_000059.4 (MANE Select); coding-DNA position 2695, A replaced by G.
Protein change: p.Asn899Asp; replaces asparagine 899 with aspartic acid.
Molecular consequence: missense variant.
Genome position (GRCh38, 1-based): chr13:32,337,050, A>G. VCF-style: chr13-32337050-A-G. GRCh37 (hg19) VCF-style: chr13-32911187-A-G.
Other names: short protein forms N899D.
Identifiers: ClinVar variation 225740 (VCV000225740.16), dbSNP rs564197624, ClinGen allele CA6940624.

ClinVar aggregate classification (germline): Conflicting classifications of pathogenicity. Review status: criteria provided, conflicting classifications (1 of 4 stars). 5 submissions from 5 submitters: Uncertain significance (4); Likely benign (1). Last evaluated 2025-12-10.

Conditions:
Hereditary cancer-predisposing syndrome. Also called: Tumor predisposition; Neoplastic Syndromes, Hereditary; Hereditary neoplastic syndrome; Hereditary Cancer Syndrome. Identifiers: Orphanet 140162, MedGen C0027672, MeSH D009386, MONDO:0015356.
Breast-ovarian cancer, familial, susceptibility to, 2 (BROVCA2). Also called: BRCA2 Hereditary Breast and Ovarian Cancer. Identifiers: Orphanet 145, MedGen C2675520, MONDO:0012933, OMIM 612555. Disease mechanism: loss of function.
Hereditary breast ovarian cancer syndrome. Also called: Hereditary breast and/or ovarian cancer syndrome; Hereditary breast and ovarian cancer syndrome (HBOC); Breast and ovarian cancer; Hereditary breast and ovarian cancer; BRCA1- and BRCA2-Associated Hereditary Breast and Ovarian Cancer; Hereditary breast and ovarian cancer syndrome. Identifiers: Orphanet 145, MedGen C0677776, MeSH D061325, MONDO:0003582. Disease mechanism: loss of function.

Allele frequency attached by ClinVar (database versions not stated): gnomAD exomes below 0.00001; ExAC 0.00001; gnomAD 0.00001; TOPMed 0.00001; 1000 Genomes Project 30x 0.00016; 1000 Genomes Project 0.00020.
gnomAD v4.1: 2 of 1,604,294 alleles (0.00012%); highest among the groups gnomAD compares: African/African-American, 0.0013%; no homozygotes.

Submissions (5):

Labcorp Genetics (formerly Invitae), Labcorp
Classification: Uncertain significance for Hereditary breast ovarian cancer syndrome. Last evaluated: 2025-12-10. Review status: criteria provided, single submitter. Criteria: Invitae Variant Classification Sherloc (09022015). Collection method: clinical testing. Allele origin: germline.
Comment: This sequence change replaces asparagine, which is neutral and polar, with aspartic acid, which is acidic and polar, at codon 899 of the BRCA2 protein (p.Asn899Asp). This variant is present in population databases (rs564197624, gnomAD 0.007%). This missense change has been observed in individual(s) with breast cancer (PMID: 36315513). ClinVar contains an entry for this variant (Variation ID: 225740). Invitae Evidence Modeling of protein sequence and biophysical properties (such as structural, functional, and spatial information, amino acid conservation, physicochemical variation, residue mobility, and thermodynamic stability) indicates that this missense variant is not expected to disrupt BRCA2 protein function with a negative predictive value of 95%. In summary, the available evidence is currently insufficient to determine the role of this variant in disease. Therefore, it has been classified as a Variant of Uncertain Significance.

Ambry Genetics
Classification: Uncertain significance for Hereditary cancer-predisposing syndrome. Last evaluated: 2024-02-09. Review status: criteria provided, single submitter. Criteria: Ambry Variant Classification Scheme 2023. Collection method: clinical testing. Allele origin: germline.
Comment: The p.N899D variant (also known as c.2695A>G), located in coding exon 10 of the BRCA2 gene, results from an A to G substitution at nucleotide position 2695. The asparagine at codon 899 is replaced by aspartic acid, an amino acid with highly similar properties. this alteration was identified in an individual diagnosed with breast cancer (McDonald JT et al. PLoS One, 2022 Oct;17:e0273835). This amino acid position is well conserved in available vertebrate species. In addition, this alteration is predicted to be tolerated by in silico analysis. Based on the available evidence, the clinical significance of this alteration remains unclear.

University of Washington Department of Laboratory Medicine, University of Washington
Classification: Likely benign for Hereditary cancer-predisposing syndrome. Last evaluated: 2023-03-23. Review status: criteria provided, single submitter. Criteria: Dines et al. (Genet Med. 2020). Collection method: curation. Allele origin: germline.
Comment: Missense variant in a coldspot region where missense variants are very unlikely to be pathogenic (PMID:31911673).

BRCA2 exon 11 coldspot. Reclassification based on statistical prior probability.

Quest Diagnostics Nichols Institute San Juan Capistrano
Classification: Uncertain significance. Last evaluated: 2020-03-18. Review status: criteria provided, single submitter. Criteria: Quest Diagnostics criteria. Collection method: clinical testing. Allele origin: unknown.

Molecular Genetics Laboratory, University of Michigan
Classification: Uncertain significance for Breast-ovarian cancer, familial, susceptibility to, 2. Last evaluated: 2016-04-21. Review status: criteria provided, single submitter. Criteria: ACMG Guidelines, 2015. Collection method: clinical testing. Allele origin: germline. Affected: yes.

Literature cited by the submitters: PubMed 36315513 (cited by Labcorp Genetics (formerly Invitae), Labcorp and Ambry Genetics).